The following is an entry in ClinVar:

NM_004333.6(BRAF):c.1140+1204T>C

Gene: BRAF (B-Raf proto-oncogene, serine/threonine kinase; minus strand). Cytogenetic location: 7q34.
Variant type: single nucleotide variant.
Coding change: c.1140+1204T>C on transcript NM_004333.6 (MANE Select); 1204 bases into the intron after coding-DNA position 1140, T replaced by C.
Molecular consequence: intron variant.
Genome position (GRCh38, 1-based): chr7:140,793,104, A>G on the plus strand (T>C on the coding strand, the complement: BRAF is on the minus strand). VCF-style: chr7-140793104-A-G. GRCh37 (hg19) VCF-style: chr7-140492904-A-G.
Other names: c.1140+1204T>C (NM_001378474.1, NM_001378471.1, NM_001378468.1 and 4 more transcripts); c.1038+1204T>C (NM_001378470.1); c.876+1204T>C (NM_001378475.1); c.1149+1204T>C (NM_001378467.1); c.984+1204T>C (NM_001378472.1, NM_001378473.1).
Identifiers: ClinVar variation 2579032 (VCV002579032.25), dbSNP rs536853781, ClinGen allele CA168099782.

ClinVar aggregate classification (germline): Likely benign (1 of 4 stars; one submission).

Allele frequency attached by ClinVar (database versions not stated): gnomAD 0.00064; TOPMed 0.00068.
gnomAD v4.1: 96 of 152,320 alleles (0.063%); highest among the groups gnomAD compares: Non-Finnish European, 0.12%; no homozygotes.

Submission:

CeGaT Center for Human Genetics Tuebingen
Classification: Likely benign. Last evaluated: 2026-09-01. Review status: criteria provided, single submitter. Criteria: CeGaT Center For Human Genetics Tuebingen Variant Classification Criteria Version 2. Collection method: clinical testing. Allele origin: germline. Affected: yes. Observed: 10 variant alleles.
Comment: BRAF: BS1